The following is an entry in ClinVar:

ClinVar aggregate classification (germline): Benign/Likely benign. Review status: criteria provided, multiple submitters, no conflicts (2 of 4 stars). 3 submissions from 3 submitters: Benign (1); Likely benign (1). 1 of the submissions does not count toward it. Last evaluated 2025-10-14.

Conditions:
IL21R-related disorder. Also called: IL21R-related condition.
Cryptosporidiosis-chronic cholangitis-liver disease syndrome. Also called: IL21R immunodeficiency; Immunodeficiency type 56. Identifiers: Orphanet 357329, MedGen C3554687, MONDO:0014082, OMIM 615207.

Allele frequency attached by ClinVar (database versions not stated): gnomAD 0.00001 and 0.00018; TOPMed 0.00002; 1000 Genomes Project 0.00040; 1000 Genomes Project 30x 0.00047.
gnomAD v4.1: 301 of 1,609,198 alleles (0.019%); highest among the groups gnomAD compares: South Asian, 0.29%; 5 homozygotes.

Submissions (3):

Labcorp Genetics (formerly Invitae), Labcorp
Classification: Benign for Cryptosporidiosis-chronic cholangitis-liver disease syndrome. Last evaluated: 2025-10-14. Review status: criteria provided, single submitter. Criteria: Invitae Variant Classification Sherloc (09022015). Collection method: clinical testing. Allele origin: germline.

Blueprint Genetics
Classification: Likely benign. Last evaluated: 2024-11-13. Review status: criteria provided, single submitter. Criteria: ACMG Guidelines, 2015. Collection method: clinical testing. Allele origin: germline.

PreventionGenetics, part of Exact Sciences
Classification: Likely benign for IL21R-related condition. Last evaluated: 2019-05-13. Review status: no assertion criteria provided. Collection method: clinical testing. Allele origin: germline. Not counted in ClinVar's aggregate classification.
Comment: This variant is classified as likely benign based on ACMG/AMP sequence variant interpretation guidelines (Richards et al. 2015 PMID: 25741868, with internal and published modifications).

NM_181078.3(IL21R):c.1584G>A (p.Pro528=)

Genes: IL21R (interleukin 21 receptor; plus strand), IL21R-AS1 (IL21R antisense RNA 1; minus strand). Cytogenetic location: 16p12.1.
Variant type: single nucleotide variant.
Coding change: c.1584G>A on transcript NM_181078.3 (MANE Select); coding-DNA position 1584, G replaced by A.
Protein change: p.Pro528=; no amino-acid change (proline 528 retained).
Molecular consequence: synonymous variant. On other transcripts: non-coding transcript variant (1).
Genome position (GRCh38, 1-based): chr16:27,449,250, G>A. VCF-style: chr16-27449250-G-A. GRCh37 (hg19) VCF-style: chr16-27460571-G-A.
Other names: c.1584G>A, p.Pro528= (NM_021798.4); c.1650G>A, p.Pro550= (NM_181079.5).
Identifiers: ClinVar variation 792695 (VCV000792695.14), dbSNP rs370397954, ClinGen allele CA7975235.